The following is an entry in ClinVar:

NM_001080449.3(DNA2):c.452C>T (p.Pro151Leu)

Gene: DNA2 (DNA replication helicase/nuclease 2; minus strand). Cytogenetic location: 10q21.3.
Variant type: single nucleotide variant.
Coding change: c.452C>T on transcript NM_001080449.3 (MANE Select); coding-DNA position 452, C replaced by T.
Protein change: p.Pro151Leu; replaces proline 151 with leucine.
Molecular consequence: missense variant. On other transcripts: non-coding transcript variant (1).
Genome position (GRCh38, 1-based): chr10:68,465,802, G>A on the plus strand (C>T on the coding strand, the complement: DNA2 is on the minus strand). VCF-style: chr10-68465802-G-A. GRCh37 (hg19) VCF-style: chr10-70225559-G-A.
Other names: c.452C>T (NM_001080449.2); short protein forms P151L.
Identifiers: ClinVar variation 1465683 (VCV001465683.7), dbSNP rs369206536, ClinGen allele CA5525290.
Genomic context (GRCh38, chr10:68,465,802, plus strand): 5'-TTTATGGCTTTTTGAAACACCTCATGGAGAACCGTACCAATTAGCATTTGGCGTGTGGCT[G>A]GATCAGAGCTCTACAAAAGCAAATCACACAGTTTATTTCACAACATATTAACAGACACAA-3'
Protein context (NP_001073918.2, residues 141-161): VLSETFRSSD[Pro151Leu]ATRQMLIGTV

ClinVar aggregate classification (germline): Uncertain significance. Review status: criteria provided, multiple submitters, no conflicts (2 of 4 stars). 2 submissions from 2 submitters: Uncertain significance (2). Last evaluated 2025-01-17.

Conditions:
Inborn genetic diseases. Identifiers: MedGen C0950123, MeSH D030342.

Allele frequency attached by ClinVar (database versions not stated): gnomAD 0.00003; gnomAD exomes 0.00003; TOPMed 0.00003; ExAC 0.00005; ESP Exome Variant Server 0.00008.
gnomAD v4.1: 21 of 1,554,556 alleles (0.0014%); highest among the groups gnomAD compares: African/African-American, 0.0041%; no homozygotes.

Submissions (2):

Ambry Genetics
Classification: Uncertain significance for Inborn genetic diseases. Last evaluated: 2025-01-17. Review status: criteria provided, single submitter. Criteria: Ambry Variant Classification Scheme 2023. Collection method: clinical testing. Allele origin: germline.

Labcorp Genetics (formerly Invitae), Labcorp
Classification: Uncertain significance. Last evaluated: 2024-08-05. Review status: criteria provided, single submitter. Criteria: Invitae Variant Classification Sherloc (09022015). Collection method: clinical testing. Allele origin: germline.
Comment: This sequence change replaces proline, which is neutral and non-polar, with leucine, which is neutral and non-polar, at codon 151 of the DNA2 protein (p.Pro151Leu). This variant is present in population databases (rs369206536, gnomAD 0.007%). This variant has not been reported in the literature in individuals affected with DNA2-related conditions. ClinVar contains an entry for this variant (Variation ID: 1465683). Advanced modeling of protein sequence and biophysical properties (such as structural, functional, and spatial information, amino acid conservation, physicochemical variation, residue mobility, and thermodynamic stability) performed at Invitae indicates that this missense variant is not expected to disrupt DNA2 protein function with a negative predictive value of 80%. In summary, the available evidence is currently insufficient to determine the role of this variant in disease. Therefore, it has been classified as a Variant of Uncertain Significance.